The following is an entry in ClinVar:

ClinVar aggregate classification (germline): Likely benign (1 of 4 stars; one submission).

Allele frequency attached by ClinVar (database versions not stated): gnomAD 0.00002.
gnomAD v4.1: 24 of 1,613,994 alleles (0.0015%); highest among the groups gnomAD compares: East Asian, 0.0045%; no homozygotes.

Submission:

CeGaT Center for Human Genetics Tuebingen
Classification: Likely benign. Last evaluated: 2023-04-01. Review status: criteria provided, single submitter. Criteria: CeGaT Center For Human Genetics Tuebingen Variant Classification Criteria Version 2. Collection method: clinical testing. Allele origin: germline. Affected: yes. Observed: 1 variant allele.
Comment: ZKSCAN1: BP4, BP7

NM_003439.4(ZKSCAN1):c.663G>A (p.Ala221=)

Gene: ZKSCAN1 (zinc finger with KRAB and SCAN domains 1; plus strand). Cytogenetic location: 7q22.1.
Variant type: single nucleotide variant.
Coding change: c.663G>A on transcript NM_003439.4 (MANE Select); coding-DNA position 663, G replaced by A.
Protein change: p.Ala221=; no amino-acid change (alanine 221 retained).
Molecular consequence: synonymous variant. On other transcripts: non-coding transcript variant (1).
Genome position (GRCh38, 1-based): chr7:100,029,943, G>A. VCF-style: chr7-100029943-G-A. GRCh37 (hg19) VCF-style: chr7-99627566-G-A.
Other names: c.555G>A, p.Ala185= (NM_001287054.3, NM_001346580.2); c.24G>A, p.Ala8= (NM_001287055.3); c.663G>A, p.Ala221= (NM_001346579.2, NM_001346581.2).
Identifiers: ClinVar variation 2657730 (VCV002657730.24), dbSNP rs889997036, ClinGen allele CA163195739.